The following is an entry in ClinVar:

ClinVar aggregate classification (germline): Uncertain significance (1 of 4 stars; one submission).

Allele frequency attached by ClinVar (database versions not stated): ExAC 0.00001; gnomAD exomes 0.00001 and 0.00002.
gnomAD v4.1: 8 of 1,614,248 alleles (0.0005%); highest among the groups gnomAD compares: South Asian, 0.0066%; 1 homozygote.

Submission:

Labcorp Genetics (formerly Invitae), Labcorp
Classification: Uncertain significance. Last evaluated: 2021-01-06. Review status: criteria provided, single submitter. Criteria: Invitae Variant Classification Sherloc (09022015). Collection method: clinical testing. Allele origin: germline.
Comment: In summary, the available evidence is currently insufficient to determine the role of this variant in disease. Therefore, it has been classified as a Variant of Uncertain Significance. Algorithms developed to predict the effect of missense changes on protein structure and function output the following: SIFT: "Tolerated"; PolyPhen-2: "Benign"; Align-GVGD: "Class C0". The glycine amino acid residue is found in multiple mammalian species, suggesting that this missense change does not adversely affect protein function. These predictions have not been confirmed by published functional studies and their clinical significance is uncertain. This variant has not been reported in the literature in individuals with HPS5-related conditions. This variant is present in population databases (rs745710272, ExAC 0.001%). This sequence change replaces arginine with glycine at codon 714 of the HPS5 protein (p.Arg714Gly). The arginine residue is weakly conserved and there is a moderate physicochemical difference between arginine and glycine.

NM_181507.2(HPS5):c.2140A>G (p.Arg714Gly)

Gene: HPS5 (HPS5 biogenesis of lysosomal organelles complex 2 subunit 2; minus strand). Cytogenetic location: 11p15.1.
Variant type: single nucleotide variant.
Coding change: c.2140A>G on transcript NM_181507.2 (MANE Select); coding-DNA position 2140, A replaced by G.
Protein change: p.Arg714Gly; replaces arginine 714 with glycine.
Molecular consequence: missense variant.
Genome position (GRCh38, 1-based): chr11:18,291,742, T>C on the plus strand (A>G on the coding strand, the complement: HPS5 is on the minus strand). VCF-style: chr11-18291742-T-C. GRCh37 (hg19) VCF-style: chr11-18313289-T-C.
Other names: c.1798A>G, p.Arg600Gly (NM_007216.4, NM_181508.2); short protein forms R714G, R600G.
Identifiers: ClinVar variation 1466945 (VCV001466945.8), dbSNP rs745710272, ClinGen allele CA5909918.